The following is an entry in ClinVar:

NM_000112.4(SLC26A2):c.567dup (p.Ser190Ter)

Gene: SLC26A2 (solute carrier family 26 member 2; plus strand). Cytogenetic location: 5q32.
Variant type: Duplication.
Coding change: c.567dup on transcript NM_000112.4 (MANE Select); coding-DNA position 567, one base duplicated (T; older notation c.567dupT).
Protein change: p.Ser190Ter; replaces serine 190 with a stop codon.
Molecular consequence: nonsense.
Genome position (GRCh38, 1-based): chr5:149,978,219, T duplicated. VCF-style (leftmost placement, unchanged base first): chr5-149978218-A-AT. GRCh37 (hg19) VCF-style: chr5-149357781-A-AT.
Other names: short protein forms S190*.
Identifiers: ClinVar variation 2922352 (VCV002922352.3), dbSNP rs2480771378, ClinGen allele CA2675943468.

ClinVar aggregate classification (germline): Pathogenic (1 of 4 stars; one submission).

Conditions:
Diastrophic dysplasia (DTD). Also called: Diastrophic dwarfism. Identifiers: Orphanet 628, MedGen C0220726, MONDO:0009107, OMIM 222600.
Multiple epiphyseal dysplasia type 4 (EDM4). Also called: Multiple Epiphyseal Dysplasia, Recessive; MULTIPLE EPIPHYSEAL DYSPLASIA WITH BILAYERED PATELLAE; MULTIPLE EPIPHYSEAL DYSPLASIA WITH CLUBFOOT; MULTIPLE EPIPHYSEAL DYSPLASIA, AUTOSOMAL RECESSIVE; SLC26A2-Related Multiple Epiphyseal Dysplasia. Identifiers: Orphanet 93307, MedGen C1847593, MONDO:0009189, OMIM 226900.
Achondrogenesis, type IB (ACG1B). Also called: Achondrogenesis Type 1B. Identifiers: Orphanet 932, Orphanet 93298, MedGen C0265274, MONDO:0010966, OMIM 600972.
Atelosteogenesis type II (AO2). Also called: SLC26A2-Related Atelosteogenesis; NEONATAL OSSEOUS DYSPLASIA I; Neonatal osseous dysplasia 1. Identifiers: Orphanet 56304, MedGen C1850554, MONDO:0009727, OMIM 256050.

Allele frequency attached by ClinVar (database versions not stated): gnomAD exomes below 0.00001.

Submission:

Labcorp Genetics (formerly Invitae), Labcorp
Classification: Pathogenic for Atelosteogenesis type II; Multiple epiphyseal dysplasia type 4; Achondrogenesis, type IB; Diastrophic dysplasia. Last evaluated: 2024-01-21. Review status: criteria provided, single submitter. Criteria: Invitae Variant Classification Sherloc (09022015). Collection method: clinical testing. Allele origin: germline.
Comment: This sequence change creates a premature translational stop signal (p.Ser190*) in the SLC26A2 gene. It is expected to result in an absent or disrupted protein product. Loss-of-function variants in SLC26A2 are known to be pathogenic (PMID: 7923357, 10482955, 11241838). This variant is not present in population databases (gnomAD no frequency). This variant has not been reported in the literature in individuals affected with SLC26A2-related conditions. Algorithms developed to predict the effect of sequence changes on RNA splicing suggest that this variant may disrupt the consensus splice site. For these reasons, this variant has been classified as Pathogenic.

Literature cited by the submitters: PubMed 7923357; PubMed 10482955; PubMed 11241838.